The following is an entry in ClinVar:

NM_004064.5(CDKN1B):c.179G>A (p.Trp60Ter)

Gene: CDKN1B (cyclin dependent kinase inhibitor 1B; plus strand). Cytogenetic location: 12p13.1.
Variant type: single nucleotide variant.
Coding change: c.179G>A on transcript NM_004064.5 (MANE Select); coding-DNA position 179, G replaced by A.
Protein change: p.Trp60Ter; replaces tryptophan 60 with a stop codon.
Molecular consequence: nonsense.
Genome position (GRCh38, 1-based): chr12:12,718,018, G>A. VCF-style: chr12-12718018-G-A. GRCh37 (hg19) VCF-style: chr12-12870952-G-A.
Other names: short protein forms W60*.
Identifiers: ClinVar variation 1780338 (VCV001780338.5), dbSNP rs2497404448, ClinGen allele CA383969253.

ClinVar aggregate classification (germline): Pathogenic. Review status: criteria provided, multiple submitters, no conflicts (2 of 4 stars). 2 submissions from 2 submitters: Pathogenic (2). Last evaluated 2025-11-17.

Conditions:
Hereditary cancer-predisposing syndrome. Also called: Tumor predisposition; Neoplastic Syndromes, Hereditary; Hereditary Cancer Syndrome; Hereditary neoplastic syndrome. Identifiers: Orphanet 140162, MedGen C0027672, MeSH D009386, MONDO:0015356.
Multiple endocrine neoplasia type 4. Also called: MULTIPLE ENDOCRINE NEOPLASIA, TYPE IV. Identifiers: Orphanet 276152, MedGen C1970712, MONDO:0012552, OMIM 610755.

Allele frequency attached by ClinVar (database versions not stated): gnomAD exomes below 0.00001.
gnomAD v4.1: 1 of 1,614,194 alleles (0.000062%); highest among the groups gnomAD compares: Non-Finnish European, 0.000085%; no homozygotes.

Submissions (2):

Ambry Genetics
Classification: Pathogenic for Hereditary cancer-predisposing syndrome. Last evaluated: 2025-11-17. Review status: criteria provided, single submitter. Criteria: Ambry Variant Classification Scheme 2023. Collection method: clinical testing. Allele origin: germline.
Comment: The p.W60* pathogenic mutation (also known as c.179G>A), located in coding exon 1 of the CDKN1B gene, results from a G to A substitution at nucleotide position 179. This changes the amino acid from a tryptophan to a stop codon within coding exon 1. This variant is considered to be rare based on population cohorts in the Genome Aggregation Database (gnomAD). This alteration is expected to result in loss of function by premature protein truncation or nonsense-mediated mRNA decay. As such, this alteration is interpreted as a disease-causing mutation.

Labcorp Genetics (formerly Invitae), Labcorp
Classification: Pathogenic for Multiple endocrine neoplasia type 4. Last evaluated: 2024-12-23. Review status: criteria provided, single submitter. Criteria: Invitae Variant Classification Sherloc (09022015). Collection method: clinical testing. Allele origin: germline.
Comment: This sequence change creates a premature translational stop signal (p.Trp60*) in the CDKN1B gene. It is expected to result in an absent or disrupted protein product. Loss-of-function variants in CDKN1B are known to be pathogenic (PMID: 17030811, 24819502). This variant is not present in population databases (gnomAD no frequency). This premature translational stop signal has been observed in individual(s) with clinical features of CDKN1B-related conditions (PMID: 35323929). ClinVar contains an entry for this variant (Variation ID: 1780338). For these reasons, this variant has been classified as Pathogenic.

Literature cited by the submitters: PubMed 17030811 (cited by Labcorp Genetics (formerly Invitae), Labcorp); PubMed 24819502 (cited by Labcorp Genetics (formerly Invitae), Labcorp); PubMed 35323929 (cited by Labcorp Genetics (formerly Invitae), Labcorp).